The following is an entry in ClinVar:

NM_000302.4(PLOD1):c.272del (p.Lys91fs)

Gene: PLOD1 (procollagen-lysine,2-oxoglutarate 5-dioxygenase 1; plus strand). Cytogenetic location: 1p36.22.
Variant type: Deletion.
Coding change: c.272del on transcript NM_000302.4 (MANE Select); coding-DNA position 272, one base deleted (A; older notation c.272delA).
Protein change: p.Lys91fs; shifts the reading frame from lysine 91.
Molecular consequence: frameshift variant.
Genome position (GRCh38, 1-based): chr1:11,949,876, A deleted; the last of 2 consecutive A bases (chr1:11,949,875-11,949,876); deleting either gives the same sequence. VCF-style (leftmost placement, unchanged base first): chr1-11949874-CA-C. GRCh37 (hg19) VCF-style: chr1-12009931-CA-C.
Other names: c.413del, p.Lys138fs (NM_001316320.2); short protein forms K138fs, K91fs.
Identifiers: ClinVar variation 1455652 (VCV001455652.6), dbSNP rs2100743480, ClinGen allele CA2573130739.

ClinVar aggregate classification (germline): Pathogenic (1 of 4 stars; one submission).

Conditions:
Ehlers-Danlos syndrome, kyphoscoliotic type 1 (EDSKSCL1). Also called: EHLERS-DANLOS SYNDROME, TYPE VIA; PLOD1-Related Kyphoscoliotic Ehlers-Danlos Syndrome; EHLERS-DANLOS SYNDROME, OCULAR-SCOLIOTIC TYPE; Ehlers-Danlos syndrome, hydroxylysine-deficient. Identifiers: Orphanet 1900, MedGen C0268342, MONDO:0016002, OMIM 225400. Disease mechanism: loss of function.

Submission:

Labcorp Genetics (formerly Invitae), Labcorp
Classification: Pathogenic for Ehlers-Danlos syndrome, kyphoscoliotic type 1. Last evaluated: 2021-04-30. Review status: criteria provided, single submitter. Criteria: Invitae Variant Classification Sherloc (09022015). Collection method: clinical testing. Allele origin: germline.
Comment: This variant is not present in population databases (ExAC no frequency). This sequence change creates a premature translational stop signal (p.Lys91Argfs*24) in the PLOD1 gene. It is expected to result in an absent or disrupted protein product. Loss-of-function variants in PLOD1 are known to be pathogenic (PMID: 10874315, 21699693). This variant has not been reported in the literature in individuals with PLOD1-related conditions. For these reasons, this variant has been classified as Pathogenic.

Literature cited by the submitters: PubMed 10874315; PubMed 21699693.